The following is an entry in ClinVar:

NM_023110.3(FGFR1):c.1006G>A (p.Ala336Thr)

Gene: FGFR1 (fibroblast growth factor receptor 1; minus strand). Cytogenetic location: 8p11.23.
Variant type: single nucleotide variant.
Coding change: c.1006G>A on transcript NM_023110.3 (MANE Select); coding-DNA position 1006, G replaced by A.
Protein change: p.Ala336Thr; replaces alanine 336 with threonine.
Molecular consequence: missense variant.
Genome position (GRCh38, 1-based): chr8:38,421,872, C>T on the plus strand (G>A on the coding strand, the complement: FGFR1 is on the minus strand). VCF-style: chr8-38421872-C-T. GRCh37 (hg19) VCF-style: chr8-38279390-C-T.
Other names: c.1006G>A (NM_023110.2); c.1099G>A (NM_001174067.1); c.1006G>A, p.Ala336Thr (NM_001174063.2); c.982G>A, p.Ala328Thr (NM_001174064.2); c.1000G>A, p.Ala334Thr (NM_001174065.2, NM_001354367.2, NM_001354369.2 and 1 more transcripts); c.739G>A, p.Ala247Thr (NM_001174066.2, NM_023105.3); c.1099G>A, p.Ala367Thr (NM_001174067.2); c.733G>A, p.Ala245Thr (NM_001354368.2, NM_001354370.2, NM_023106.3); short protein forms A245T, A247T, A328T, A334T, A336T, A367T.
Identifiers: ClinVar variation 1299623 (VCV001299623.4), dbSNP rs981703846, ClinGen allele CA175144826.
Genomic context (GRCh38, chr8:38,421,872, plus strand): 5'-ACCATGCAGAGTGATGGGAGAGTCCGATAGAGTTACCCGCCAAGCACGTATACTCCCCTG[C>T]GTCCTCAAAGGAGACATTTCTTAAGTGAAGCACCTCCATCTCTTTGTCGGTGGTATTAAC-3'
Protein context (NP_075598.2, residues 326-346): LHLRNVSFED[Ala336Thr]GEYTCLAGNS

ClinVar aggregate classification (germline): Uncertain significance. Review status: criteria provided, multiple submitters, no conflicts (2 of 4 stars). 2 submissions from 2 submitters: Uncertain significance (2). Last evaluated 2026-02-26.

Conditions:
Trigonocephaly 1 (TRIGNO1). Identifiers: Orphanet 3366, MedGen C0432122, MONDO:0008603, OMIM 190440.

Allele frequency attached by ClinVar (database versions not stated): TOPMed below 0.00001; gnomAD 0.00001.
gnomAD v4.1: 3 of 1,613,936 alleles (0.00019%); highest among the groups gnomAD compares: Non-Finnish European, 0.00017%; no homozygotes.

Submissions (2):

GeneDx
Classification: Uncertain significance. Last evaluated: 2026-02-26. Review status: criteria provided, single submitter. Criteria: GeneDx Variant Classification Process June 2021. Collection method: clinical testing. Allele origin: germline.
Comment: Not observed at significant frequency in large population cohorts (gnomAD); In silico analysis supports that this missense variant has a deleterious effect on protein structure/function; Has not been previously published as pathogenic or benign to our knowledge; This variant is associated with the following publications: (PMID: 29058119)

Laboratory of Medical Genetics, National & Kapodistrian University of Athens
Classification: Uncertain significance for Trigonocephaly 1. Last evaluated: 2021-10-06. Review status: criteria provided, single submitter. Criteria: ACMG Guidelines, 2015. Collection method: clinical testing. Allele origin: unknown.
Comment: PM2, PP2, PP3